The following is an entry in ClinVar:

ClinVar aggregate classification (germline): Uncertain significance. Review status: criteria provided, multiple submitters, no conflicts (2 of 4 stars). 6 submissions from 6 submitters: Uncertain significance (6). Last evaluated 2025-11-10.

Conditions:
Hereditary cancer-predisposing syndrome. Also called: Hereditary neoplastic syndrome; Neoplastic Syndromes, Hereditary; Hereditary Cancer Syndrome; Tumor predisposition. Identifiers: Orphanet 140162, MedGen C0027672, MeSH D009386, MONDO:0015356.
Nijmegen breakage syndrome-like disorder (NBSLD). Also called: MICROCEPHALY AND SPONTANEOUS CHROMOSOME INSTABILITY WITHOUT IMMUNODEFICIENCY; NBS-LIKE DISORDER; RAD50 DEFICIENCY. Identifiers: Orphanet 240760, MedGen C2751318, MONDO:0013118, OMIM 613078.

Allele frequency attached by ClinVar (database versions not stated): TOPMed 0.00005; gnomAD exomes 0.00006; gnomAD 0.00007; ESP Exome Variant Server 0.00015; 1000 Genomes Project 30x 0.00016; 1000 Genomes Project 0.00020; ExAC 0.00004.
gnomAD v4.1: 205 of 1,613,894 alleles (0.013%); highest among the groups gnomAD compares: Non-Finnish European, 0.017%; no homozygotes.

Submissions (6):

Labcorp Genetics (formerly Invitae), Labcorp
Classification: Uncertain significance for Hereditary cancer-predisposing syndrome. Last evaluated: 2025-11-10. Review status: criteria provided, single submitter. Criteria: Invitae Variant Classification Sherloc (09022015). Collection method: clinical testing. Allele origin: germline.
Comment: This sequence change replaces aspartic acid, which is acidic and polar, with glutamic acid, which is acidic and polar, at codon 637 of the RAD50 protein (p.Asp637Glu). This variant is present in population databases (rs144749616, gnomAD 0.008%). This variant has not been reported in the literature in individuals affected with RAD50-related conditions. ClinVar contains an entry for this variant (Variation ID: 128000). Invitae Evidence Modeling of protein sequence and biophysical properties (such as structural, functional, and spatial information, amino acid conservation, physicochemical variation, residue mobility, and thermodynamic stability) indicates that this missense variant is not expected to disrupt RAD50 protein function with a negative predictive value of 80%. In summary, the available evidence is currently insufficient to determine the role of this variant in disease. Therefore, it has been classified as a Variant of Uncertain Significance.

Women's Health and Genetics/Laboratory Corporation of America, LabCorp
Classification: Uncertain significance. Last evaluated: 2025-04-04. Review status: criteria provided, single submitter. Criteria: LabCorp Variant Classification Summary - May 2015. Collection method: clinical testing. Allele origin: germline.
Comment: Variant summary: RAD50 c.1911T>A (p.Asp637Glu) results in a conservative amino acid change located in the RAD50, zinc hook domain (IPR013134) of the encoded protein sequence. Three of five in-silico tools predict a benign effect of the variant on protein function. The variant allele was found at a frequency of 5.6e-05 in 251332 control chromosomes, predominantly at a frequency of 0.00011 within the Non-Finnish European subpopulation in the gnomAD database. This frequency is not significantly higher than estimated for a pathogenic variant in RAD50 causing Nijmegen Breakage Syndrome-Like Disorder (5.6e-05 vs 0.0024), allowing no conclusion about variant significance. To our knowledge, no occurrence of c.1911T>A in individuals affected with Nijmegen Breakage Syndrome-Like Disorder and no experimental evidence demonstrating its impact on protein function have been reported. The following publications have been ascertained in the context of this evaluation (PMID: 19917125, 26787654, 24894818, 28102005, 23555315, 24448499). ClinVar contains an entry for this variant (Variation ID: 128000). Based on the evidence outlined above, the variant was classified as uncertain significance.

Quest Diagnostics Nichols Institute San Juan Capistrano
Classification: Uncertain significance. Last evaluated: 2025-02-11. Review status: criteria provided, single submitter. Criteria: Quest Diagnostics criteria. Collection method: clinical testing. Allele origin: unknown.
Comment: The RAD50 c.1911T>A (p.Asp637Glu) variant has been reported in the published literature in in individuals with breast cancer (PMID: 33471991 (2021), see also LOVD). This variant has also been identified in a reportedly healthy individuals (PMID: 33471991 (2021), 24894818 (2014), see also LOVD). The frequency of this variant in the general population (Genome Aggregation Database) is uninformative in the assessment of its pathogenicity. Analysis of this variant using bioinformatics tools for the prediction of the effect of amino acid changes on protein structure and function yielded conflicting predictions that this variant is benign or damaging. Based on the available information, we are unable to determine the clinical significance of this variant.

Ambry Genetics
Classification: Uncertain significance for Hereditary cancer-predisposing syndrome. Last evaluated: 2024-12-06. Review status: criteria provided, single submitter. Criteria: Ambry Variant Classification Scheme 2023. Collection method: clinical testing. Allele origin: germline.
Comment: The p.D637E variant (also known as c.1911T>A), located in coding exon 12 of the RAD50 gene, results from a T to A substitution at nucleotide position 1911. The aspartic acid at codon 637 is replaced by glutamic acid, an amino acid with highly similar properties. This amino acid position is highly conserved in available vertebrate species. In addition, this alteration is predicted to be tolerated by in silico analysis. Based on the available evidence, the clinical significance of this variant remains unclear.

Baylor Genetics
Classification: Uncertain significance for Nijmegen breakage syndrome-like disorder. Last evaluated: 2024-01-26. Review status: criteria provided, single submitter. Criteria: ACMG Guidelines, 2015. Collection method: clinical testing. Allele origin: unknown.

GeneDx
Classification: Uncertain significance. Last evaluated: 2014-02-13. Review status: criteria provided, single submitter. Criteria: GeneDx Variant Classification (06012015). Collection method: clinical testing. Allele origin: germline. Affected: yes.
Comment: RAD50 has been only recently described in association with cancer predisposition and the risks are not well understood. This variant is denoted RAD50 c.1911T>A at the cDNA level, p.Asp637Glu (D637E) at the protein level, and results in the change of an Aspartic Acid to a Glutamic Acid (GAT>GAA). This variant has not, to our knowledge, been published in the literature as pathogenic or benign. RAD50 Asp637Glu was not observed at a significant allele frequency in the NHLBI Exome Sequencing Project or 1000 Genomes. This variant is a conservative substitution of one negative polar amino acid for another, altering a position that is well conserved throughout evolution and is located in a potential coiled coil region in the Zinc-hook domain (UniProt). In silico analyses are inconsistent with regard to the effect this variant may have on protein structure and function. On a molecular level, the impact of this missense variant on protein structure and function is not known and thus we consider this to be a variant of uncertain significance. Furthermore, based on the currently available information, cancer risks associated with this variant, and the RAD50 gene, remain unclear.

Literature cited by the submitters: PubMed 23555315 (cited by Women's Health and Genetics/Laboratory Corporation of America, LabCorp); PubMed 24448499 (cited by Women's Health and Genetics/Laboratory Corporation of America, LabCorp); PubMed 19917125 (cited by Women's Health and Genetics/Laboratory Corporation of America, LabCorp); PubMed 26787654 (cited by Women's Health and Genetics/Laboratory Corporation of America, LabCorp); PubMed 24894818 (cited by 3 submitters); PubMed 28102005 (cited by Women's Health and Genetics/Laboratory Corporation of America, LabCorp); PubMed 33471991 (cited by Quest Diagnostics Nichols Institute San Juan Capistrano).

NM_005732.4(RAD50):c.1911T>A (p.Asp637Glu)

Gene: RAD50 (RAD50 double strand break repair protein; plus strand). Cytogenetic location: 5q31.1.
Variant type: single nucleotide variant.
Coding change: c.1911T>A on transcript NM_005732.4 (MANE Select); coding-DNA position 1911, T replaced by A.
Protein change: p.Asp637Glu; replaces aspartic acid 637 with glutamic acid.
Molecular consequence: missense variant.
Genome position (GRCh38, 1-based): chr5:132,594,986, T>A. VCF-style: chr5-132594986-T-A. GRCh37 (hg19) VCF-style: chr5-131930678-T-A.
Other names: p.D637E:GAT>GAA; short protein forms D637E.
Identifiers: ClinVar variation 128000 (VCV000128000.21), dbSNP rs144749616, ClinGen allele CA331863.